The following is an entry in ClinVar:

NM_004595.5(SMS):c.1061+4T>C

Gene: SMS (spermine synthase; plus strand). Cytogenetic location: Xp22.11.
Variant type: single nucleotide variant.
Coding change: c.1061+4T>C on transcript NM_004595.5 (MANE Select); 4 bases into the intron after coding-DNA position 1061, T replaced by C.
Molecular consequence: intron variant.
Genome position (GRCh38, 1-based): chrX:21,992,716, T>C. VCF-style: chrX-21992716-T-C. GRCh37 (hg19) VCF-style: chrX-22010834-T-C.
Other names: c.902+4T>C (NM_001258423.2).
Identifiers: ClinVar variation 1780236 (VCV001780236.2), dbSNP rs2519688126, ClinGen allele CA2580100461.

ClinVar aggregate classification (germline): Uncertain significance (1 of 4 stars; one submission).

Conditions:
Inborn genetic diseases. Identifiers: MedGen C0950123, MeSH D030342.

Submission:

Ambry Genetics
Classification: Uncertain significance for Inborn genetic diseases. Last evaluated: 2016-09-22. Review status: criteria provided, single submitter. Criteria: Ambry Variant Classification Scheme 2023. Collection method: clinical testing. Allele origin: germline.
Comment: The c.1061+4T>C intronic variant results from a T to C substitution 4 nucleotides after coding exon 10 in the SMS gene. This variant was not reported in population based cohorts in the following databases: Database of Single Nucleotide Polymorphisms (dbSNP), NHLBI Exome Sequencing Project (ESP), and 1000 Genomes Project. In the ESP, this variant was not observed in 6503 samples with coverage at this position. Since this variant occurs near a non-typical splice donor site, two different splice site prediction tools do not produce a reliable prediction for the nearby native splice donor site. Since supporting evidence is limited at this time, the clinical significance of this variant remains unclear.